The following is an entry in ClinVar:

ClinVar aggregate classification (germline): Conflicting classifications of pathogenicity. Review status: criteria provided, conflicting classifications (1 of 4 stars). 4 submissions from 4 submitters: Uncertain significance (3); Likely benign (1). Last evaluated 2025-12-22.

Conditions:
Cardiovascular phenotype. Identifiers: MedGen CN230736.
Familial hypobetalipoproteinemia 1. Also called: Hypobetalipoproteinemia, normotriglyceridemic; Acanthocytosis with hypobetalipoproteinemia; APOB-Related Familial Hypobetalipoproteinemia. Identifiers: MedGen C4551990, MONDO:0014252, OMIM 615558.
Hypercholesterolemia, autosomal dominant, type B (FHCL2). Also called: Familial hypercholesterolemia 2; APOB-Related Familial Hypercholesterolemia, Autosomal Dominant; HYPERCHOLESTEROLEMIA, FAMILIAL, DUE TO LIGAND-DEFECTIVE APOLIPOPROTEIN B; Hyperlipoproteinemia Type IIb; Familial Hypercholesterolemia Type B; APOLIPOPROTEIN B-100, FAMILIAL DEFECTIVE. Identifiers: MedGen C1704417, MONDO:0007751, OMIM 144010.

Allele frequency attached by ClinVar (database versions not stated): gnomAD exomes 0.00003 and below 0.00001; ExAC 0.00001; TOPMed 0.00001; gnomAD 0.00002.
gnomAD v4.1: 20 of 1,614,082 alleles (0.0012%); highest among the groups gnomAD compares: Middle Eastern, 0.033%; no homozygotes.

Submissions (4):

Labcorp Genetics (formerly Invitae), Labcorp
Classification: Likely benign for Familial hypobetalipoproteinemia 1; Hypercholesterolemia, autosomal dominant, type B. Last evaluated: 2025-12-22. Review status: criteria provided, single submitter. Criteria: Invitae Variant Classification Sherloc (09022015). Collection method: clinical testing. Allele origin: germline.

Quest Diagnostics Nichols Institute San Juan Capistrano
Classification: Uncertain significance. Last evaluated: 2025-03-20. Review status: criteria provided, single submitter. Criteria: Quest Diagnostics criteria. Collection method: clinical testing. Allele origin: unknown.
Comment: The APOB c.4024A>G (p.Ile1342Val) variant has not been reported in individuals with APOB-related conditions in the published literature. The frequency of this variant in the general population (Genome Aggregation Database) is uninformative in the assessment of its pathogenicity. Analysis of this variant using bioinformatics tools for the prediction of the effect of amino acid changes on protein structure and function yielded predictions that this variant is benign. Based on the available information, we are unable to determine the clinical significance of this variant.

Ambry Genetics
Classification: Uncertain significance for Cardiovascular phenotype. Last evaluated: 2024-09-05. Review status: criteria provided, single submitter. Criteria: Ambry Variant Classification Scheme 2023. Collection method: clinical testing. Allele origin: germline.
Comment: The p.I1342V variant (also known as c.4024A>G), located in coding exon 25 of the APOB gene, results from an A to G substitution at nucleotide position 4024. The isoleucine at codon 1342 is replaced by valine, an amino acid with highly similar properties. This amino acid position is conserved. In addition, this alteration is predicted to be tolerated by in silico analysis. Since supporting evidence is limited at this time, the clinical significance of this alteration remains unclear.

Fulgent Genetics
Classification: Uncertain significance for Hypercholesterolemia, autosomal dominant, type B; Familial hypobetalipoproteinemia 1. Last evaluated: 2024-01-23. Review status: criteria provided, single submitter. Criteria: ACMG Guidelines, 2015. Collection method: clinical testing. Allele origin: germline.

NM_000384.3(APOB):c.4024A>G (p.Ile1342Val)

Gene: APOB (apolipoprotein B; minus strand). Cytogenetic location: 2p24.1.
Variant type: single nucleotide variant.
Coding change: c.4024A>G on transcript NM_000384.3 (MANE Select); coding-DNA position 4024, A replaced by G.
Protein change: p.Ile1342Val; replaces isoleucine 1342 with valine.
Molecular consequence: missense variant.
Genome position (GRCh38, 1-based): chr2:21,013,352, T>C on the plus strand (A>G on the coding strand, the complement: APOB is on the minus strand). VCF-style: chr2-21013352-T-C. GRCh37 (hg19) VCF-style: chr2-21236224-T-C.
Other names: short protein forms I1342V.
Identifiers: ClinVar variation 544077 (VCV000544077.13), dbSNP rs780328279, ClinGen allele CA060371.